The following is an entry in ClinVar:

NM_001165963.4(SCN1A):c.2997C>A (p.Asn999Lys)

Gene: SCN1A (sodium voltage-gated channel alpha subunit 1; minus strand). Cytogenetic location: 2q24.3.
Variant type: single nucleotide variant.
Coding change: c.2997C>A on transcript NM_001165963.4 (MANE Select); coding-DNA position 2997, C replaced by A.
Protein change: p.Asn999Lys; replaces asparagine 999 with lysine.
Molecular consequence: missense variant. On other transcripts: non-coding transcript variant (1).
Genome position (GRCh38, 1-based): chr2:166,036,480, G>T on the plus strand (C>A on the coding strand, the complement: SCN1A is on the minus strand). VCF-style: chr2-166036480-G-T. GRCh37 (hg19) VCF-style: chr2-166892990-G-T.
Other names: c.2913C>A, p.Asn971Lys (NM_001165964.3, NM_001353957.2, NM_001353958.2); c.2997C>A, p.Asn999Lys (NM_001202435.3, NM_001353948.2); c.2964C>A, p.Asn988Lys (NM_001353949.2, NM_001353950.2, NM_001353951.2 and 2 more transcripts); c.2961C>A, p.Asn987Lys (NM_001353954.2, NM_001353955.2); c.2910C>A, p.Asn970Lys (NM_001353960.2); c.555C>A, p.Asn185Lys (NM_001353961.2); short protein forms N185K, N988K, N999K, N970K, N987K, N971K.
Identifiers: ClinVar variation 3634033 (VCV003634033.3).

ClinVar aggregate classification (germline): Uncertain significance. Review status: criteria provided, multiple submitters, no conflicts (2 of 4 stars). 2 submissions from 2 submitters: Uncertain significance (2). Last evaluated 2024-08-24.

Conditions:
Early-infantile DEE. Also called: Early infantile epileptic encephalopathy with suppression bursts; Early infantile epileptic encephalopathy; Ohtahara syndrome. Identifiers: Orphanet 1934, MedGen C0393706, MONDO:0800491.

Submissions (2):

Labcorp Genetics (formerly Invitae), Labcorp
Classification: Uncertain significance for Early-infantile DEE. Last evaluated: 2024-08-24. Review status: criteria provided, single submitter. Criteria: Invitae Variant Classification Sherloc (09022015). Collection method: clinical testing. Allele origin: germline.
Comment: This sequence change replaces asparagine, which is neutral and polar, with lysine, which is basic and polar, at codon 999 of the SCN1A protein (p.Asn999Lys). This variant is not present in population databases (gnomAD no frequency). This variant has not been reported in the literature in individuals affected with SCN1A-related conditions. Invitae Evidence Modeling of protein sequence and biophysical properties (such as structural, functional, and spatial information, amino acid conservation, physicochemical variation, residue mobility, and thermodynamic stability) has been performed for this missense variant. However, the output from this modeling did not meet the statistical confidence thresholds required to predict the impact of this variant on SCN1A protein function. In summary, the available evidence is currently insufficient to determine the role of this variant in disease. Therefore, it has been classified as a Variant of Uncertain Significance.

Blueprint Genetics
Classification: Uncertain significance. Last evaluated: 2021-07-16. Review status: criteria provided, single submitter. Criteria: ACMG Guidelines, 2015. Collection method: clinical testing. Allele origin: germline.